The following is an entry in ClinVar:

NM_173628.4(DNAH17):c.3018G>A (p.Leu1006=)

Genes: DNAH17 (dynein axonemal heavy chain 17; minus strand), LOC126862656 (MED14-independent group 3 enhancer GRCh37_chr17:76528450-76529649; plus strand). Cytogenetic location: 17q25.3.
Variant type: single nucleotide variant.
Coding change: c.3018G>A on transcript NM_173628.4 (MANE Select); coding-DNA position 3018, G replaced by A.
Protein change: p.Leu1006=; no amino-acid change (leucine 1006 retained).
Molecular consequence: synonymous variant.
Genome position (GRCh38, 1-based): chr17:78,532,578, C>T on the plus strand (G>A on the coding strand, the complement: DNAH17 is on the minus strand). VCF-style: chr17-78532578-C-T. GRCh37 (hg19) VCF-style: chr17-76528660-C-T.
Identifiers: ClinVar variation 3042799 (VCV003042799.2), dbSNP rs200385060, ClinGen allele CA8804401.

ClinVar aggregate classification (germline): Likely benign (0 of 4 stars; one submission).

Conditions:
DNAH17-related disorder. Also called: DNAH17-related condition.

Allele frequency attached by ClinVar (database versions not stated): ExAC 0.00007; gnomAD 0.00009; TOPMed 0.00012; 1000 Genomes Project 30x 0.00016; ESP Exome Variant Server 0.00016; 1000 Genomes Project 0.00020.
gnomAD v4.1: 20 of 1,609,384 alleles (0.0012%); highest among the groups gnomAD compares: African/African-American, 0.021%; no homozygotes.

Submission:

PreventionGenetics, part of Exact Sciences
Classification: Likely benign for DNAH17-related condition. Last evaluated: 2019-12-26. Review status: no assertion criteria provided. Collection method: clinical testing. Allele origin: germline.
Comment: This variant is classified as likely benign based on ACMG/AMP sequence variant interpretation guidelines (Richards et al. 2015 PMID: 25741868, with internal and published modifications).